The following is an entry in ClinVar:

ClinVar aggregate classification (germline): Uncertain significance (1 of 4 stars; one submission).

Allele frequency attached by ClinVar (database versions not stated): gnomAD exomes 0.00001 and 0.00005; ExAC 0.00003; TOPMed 0.00005; gnomAD 0.00007 and 0.00009.
gnomAD v4.1: 26 of 1,601,222 alleles (0.0016%); highest among the groups gnomAD compares: Admixed American, 0.041%; no homozygotes.

Submission:

Labcorp Genetics (formerly Invitae), Labcorp
Classification: Uncertain significance. Last evaluated: 2022-07-05. Review status: criteria provided, single submitter. Criteria: Invitae Variant Classification Sherloc (09022015). Collection method: clinical testing. Allele origin: germline.
Comment: This sequence change replaces isoleucine, which is neutral and non-polar, with threonine, which is neutral and polar, at codon 1199 of the TRPM1 protein (p.Ile1199Thr). This variant is present in population databases (rs752434138, gnomAD 0.04%). This variant has not been reported in the literature in individuals affected with TRPM1-related conditions. ClinVar contains an entry for this variant (Variation ID: 1040284). Algorithms developed to predict the effect of missense changes on protein structure and function are either unavailable or do not agree on the potential impact of this missense change (SIFT: "Deleterious"; PolyPhen-2: "Benign"; Align-GVGD: "Class C25"). In summary, the available evidence is currently insufficient to determine the role of this variant in disease. Therefore, it has been classified as a Variant of Uncertain Significance.

NM_001252024.2(TRPM1):c.3662T>C (p.Ile1221Thr)

Gene: TRPM1 (transient receptor potential cation channel subfamily M member 1; minus strand). Cytogenetic location: 15q13.3.
Variant type: single nucleotide variant.
Coding change: c.3662T>C on transcript NM_001252024.2 (MANE Select); coding-DNA position 3662, T replaced by C.
Protein change: p.Ile1221Thr; replaces isoleucine 1221 with threonine.
Molecular consequence: missense variant.
Genome position (GRCh38, 1-based): chr15:31,003,038, A>G on the plus strand (T>C on the coding strand, the complement: TRPM1 is on the minus strand). VCF-style: chr15-31003038-A-G. GRCh37 (hg19) VCF-style: chr15-31295241-A-G.
Other names: c.3713T>C, p.Ile1238Thr (NM_001252020.2); c.3596T>C, p.Ile1199Thr (NM_002420.6); short protein forms I1238T, I1199T, I1221T.
Identifiers: ClinVar variation 1040284 (VCV001040284.5), dbSNP rs752434138, ClinGen allele CA7451796.